The following is an entry in ClinVar:

ClinVar aggregate classification (germline): Uncertain significance (1 of 4 stars; one submission).

Conditions:
Epilepsy, familial adult myoclonic, 5 (EPEO5). Also called: CORTICAL MYOCLONIC TREMOR WITH EPILEPSY, FAMILIAL, 5. Identifiers: Orphanet 86814, MedGen C3809374, MONDO:0014167, OMIM 615400.

Allele frequency attached by ClinVar (database versions not stated): TOPMed below 0.00001.

Submission:

Labcorp Genetics (formerly Invitae), Labcorp
Classification: Uncertain significance for Epilepsy, familial adult myoclonic, 5. Last evaluated: 2022-06-14. Review status: criteria provided, single submitter. Criteria: Invitae Variant Classification Sherloc (09022015). Collection method: clinical testing. Allele origin: germline.
Comment: This sequence change replaces threonine, which is neutral and polar, with isoleucine, which is neutral and non-polar, at codon 882 of the CNTN2 protein (p.Thr882Ile). This variant is not present in population databases (gnomAD no frequency). This variant has not been reported in the literature in individuals affected with CNTN2-related conditions. Advanced modeling of protein sequence and biophysical properties (such as structural, functional, and spatial information, amino acid conservation, physicochemical variation, residue mobility, and thermodynamic stability) performed at Invitae indicates that this missense variant is not expected to disrupt CNTN2 protein function. In summary, the available evidence is currently insufficient to determine the role of this variant in disease. Therefore, it has been classified as a Variant of Uncertain Significance.

NM_005076.5(CNTN2):c.2645C>T (p.Thr882Ile)

Gene: CNTN2 (contactin 2; plus strand). Cytogenetic location: 1q32.1.
Variant type: single nucleotide variant.
Coding change: c.2645C>T on transcript NM_005076.5 (MANE Select); coding-DNA position 2645, C replaced by T.
Protein change: p.Thr882Ile; replaces threonine 882 with isoleucine.
Molecular consequence: missense variant. On other transcripts: non-coding transcript variant (1).
Genome position (GRCh38, 1-based): chr1:205,072,047, C>T. VCF-style: chr1-205072047-C-T. GRCh37 (hg19) VCF-style: chr1-205041175-C-T.
Other names: c.2645C>T, p.Thr882Ile (NM_001346083.2); short protein forms T882I.
Identifiers: ClinVar variation 2006575 (VCV002006575.4), dbSNP rs1322132962, ClinGen allele CA344381255.